The following is an entry in ClinVar:

NM_030653.4(DDX11):c.1949-3C>T

Gene: DDX11 (DEAD/H-box helicase 11; plus strand). Cytogenetic location: 12p11.21.
Variant type: single nucleotide variant.
Coding change: c.1949-3C>T on transcript NM_030653.4 (MANE Select); 3 bases into the intron before coding-DNA position 1949, C replaced by T.
Molecular consequence: intron variant.
Genome position (GRCh38, 1-based): chr12:31,101,024, C>T. VCF-style: chr12-31101024-C-T. GRCh37 (hg19) VCF-style: chr12-31253958-C-T.
Other names: c.1949-3C>T (NM_001413693.1, NM_152438.2, NM_004399.3 and 5 more transcripts); c.1088-3C>T (NM_001413705.1, NM_001413704.1); c.983-3C>T (NM_001413706.1); c.1862-3C>T (NM_001413700.1); c.1421-3C>T (NM_001413702.1, NM_001413703.1); c.1871-3C>T (NM_001413697.1, NM_001413699.1, NM_001257145.2 and 1 more transcripts).
Identifiers: ClinVar variation 4082240 (VCV004082240.2).
Genomic context (GRCh38, chr12:31,101,024, plus strand): 5'-CTCTGCAGTGTCTTGCAGCACACCTGCATCTCCAGTTTTCGGCCCCTCCCTGGCTCTTAC[C>T]AGGTCACGTGATCCCTCCAGACAACATCCTGCCCCTCGTCATCTGCAGCGGGATCTCCAA-3'

ClinVar aggregate classification (germline): Conflicting classifications of pathogenicity. Review status: criteria provided, conflicting classifications (1 of 4 stars). 2 submissions from 2 submitters: Likely pathogenic (1); Likely benign (1). Last evaluated 2025-05-29.

Conditions:
Warsaw breakage syndrome (WABS). Also called: DDX11-Related Cohesinopathy. Identifiers: Orphanet 280558, MedGen C3150658, MONDO:0013252, OMIM 613398.

gnomAD v4.1: 334 of 1,613,186 alleles (0.021%); highest among the groups gnomAD compares: East Asian, 0.69%; 3 homozygotes.

Submissions (2):

Prenatal Diagnosis Center, The Affiliated Hospital of Qingdao University
Classification: Likely pathogenic for Warsaw breakage syndrome. Last evaluated: 2025-05-29. Review status: criteria provided, single submitter. Criteria: ACMG Guidelines, 2015. Collection method: clinical testing. Allele origin: germline. Affected: yes. Observed: 1 compound heterozygote.
Comment: PVS1(c. 1949-3C>T affects splicing and leads to changes in protein function.)+PM3(this variant constitutes compound heterozygosity with the c.2120delT variant site)+PM2_Supporting（this variant is not detected in the reference population Thousands of Genomes (1000G), Divine Genome Database, ExAC, and the gnomAD were not found)

Blueprint Genetics
Classification: Likely benign. Last evaluated: 2024-10-30. Review status: criteria provided, single submitter. Criteria: ACMG Guidelines, 2015. Collection method: clinical testing. Allele origin: germline.

Literature cited by the submitters: PubMed 16199547 (cited by Prenatal Diagnosis Center, The Affiliated Hospital of Qingdao University).